The following is an entry in ClinVar:

NM_033310.3(KCNK4):c.1082_1084del (p.Leu361del)

Genes: KCNK4 (potassium two pore domain channel subfamily K member 4; plus strand), KCNK4-CATSPERZ (KCNK4-CATSPERZ readthrough (NMD candidate); plus strand). Cytogenetic location: 11q13.1.
Variant type: Deletion.
Coding change: c.1082_1084del on transcript NM_033310.3 (MANE Select); coding-DNA positions 1082 to 1084, 3 bases deleted (TGC; older notation c.1082_1084delTGC).
Protein change: p.Leu361del; deletes leucine 361.
Molecular consequence: inframe deletion. On other transcripts: non-coding transcript variant (3).
Genome position (GRCh38, 1-based): chr11:64,299,626-64,299,628, TGC deleted; deleting any 3 consecutive bases within chr11:64,299,624-64,299,628 gives the same sequence; the c. name uses the placement nearest the transcript's 3' end. VCF-style (leftmost placement, unchanged base first): chr11-64299623-CGCT-C. GRCh37 (hg19) VCF-style: chr11-64067095-CGCT-C.
Other names: c.1082_1084del, p.Leu361del (NM_001317090.2); short protein forms L361del.
Identifiers: ClinVar variation 1447149 (VCV001447149.8), dbSNP rs2135237011, ClinGen allele CA2573147405.
Genomic context (GRCh38, chr11:64,299,623, plus strand): 5'-CCAGCGAGAACCTGGCCTTCATCGACGAGTCCTCGGATACGCAGAGCGAGCGCGGCTGCC[CGCT>C]GCCCCGCGCGCCGAGAGGTCGCCGCCGCCCAAATCCCCCCAGGAAGCCCGTGCGGCCCCG-3'

ClinVar aggregate classification (germline): Uncertain significance (1 of 4 stars; one submission).

Submission:

Labcorp Genetics (formerly Invitae), Labcorp
Classification: Uncertain significance. Last evaluated: 2021-05-27. Review status: criteria provided, single submitter. Criteria: Invitae Variant Classification Sherloc (09022015). Collection method: clinical testing. Allele origin: germline.
Comment: In summary, the available evidence is currently insufficient to determine the role of this variant in disease. Therefore, it has been classified as a Variant of Uncertain Significance. Experimental studies and prediction algorithms are not available or were not evaluated, and the functional significance of this variant is currently unknown. This variant has not been reported in the literature in individuals with KCNK4-related conditions. This variant is not present in population databases (ExAC no frequency). This variant, c.1082_1084del, results in the deletion of 1 amino acid(s) of the KCNK4 protein (p.Leu361del), but otherwise preserves the integrity of the reading frame.